The following is an entry in ClinVar:

NM_001378457.1(DMXL2):c.4955T>C (p.Val1652Ala)

Gene: DMXL2 (Dmx like 2; minus strand). Cytogenetic location: 15q21.2.
Variant type: single nucleotide variant.
Coding change: c.4955T>C on transcript NM_001378457.1 (MANE Select); coding-DNA position 4955, T replaced by C.
Protein change: p.Val1652Ala; replaces valine 1652 with alanine.
Molecular consequence: missense variant. On other transcripts: non-coding transcript variant (2).
Genome position (GRCh38, 1-based): chr15:51,488,644, A>G on the plus strand (T>C on the coding strand, the complement: DMXL2 is on the minus strand). VCF-style: chr15-51488644-A-G. GRCh37 (hg19) VCF-style: chr15-51780841-A-G.
Other names: c.4955T>C, p.Val1652Ala (NM_001174116.3, NM_001378458.1, NM_001378459.1 and 4 more transcripts); c.3047T>C, p.Val1016Ala (NM_001174117.3); c.2936T>C, p.Val979Ala (NM_001378460.1); c.4715T>C, p.Val1572Ala (NM_001378464.1); c.4955T>C (NM_001174116.1); short protein forms V1652A, V1016A, V1572A, V979A.
Identifiers: ClinVar variation 2078983 (VCV002078983.4), dbSNP rs769759867, ClinGen allele CA7561894.

ClinVar aggregate classification (germline): Uncertain significance. Review status: criteria provided, multiple submitters, no conflicts (2 of 4 stars). 2 submissions from 2 submitters: Uncertain significance (2). Last evaluated 2025-11-19.

Conditions:
Inborn genetic diseases. Identifiers: MedGen C0950123, MeSH D030342.

Allele frequency attached by ClinVar (database versions not stated): ExAC 0.00002; gnomAD exomes 0.00001; gnomAD 0.00003; TOPMed 0.00003.
gnomAD v4.1: 8 of 1,600,110 alleles (0.0005%); highest among the groups gnomAD compares: African/African-American, 0.0067%; no homozygotes.

Submissions (2):

Ambry Genetics
Classification: Uncertain significance for Inborn genetic diseases. Last evaluated: 2025-11-19. Review status: criteria provided, single submitter. Criteria: Ambry Variant Classification Scheme 2023. Collection method: clinical testing. Allele origin: germline.

Labcorp Genetics (formerly Invitae), Labcorp
Classification: Uncertain significance. Last evaluated: 2022-09-27. Review status: criteria provided, single submitter. Criteria: Invitae Variant Classification Sherloc (09022015). Collection method: clinical testing. Allele origin: germline.
Comment: This sequence change replaces valine, which is neutral and non-polar, with alanine, which is neutral and non-polar, at codon 1652 of the DMXL2 protein (p.Val1652Ala). In summary, the available evidence is currently insufficient to determine the role of this variant in disease. Therefore, it has been classified as a Variant of Uncertain Significance. Algorithms developed to predict the effect of missense changes on protein structure and function are either unavailable or do not agree on the potential impact of this missense change (SIFT: "Deleterious"; PolyPhen-2: "Benign"; Align-GVGD: "Class C25"). This variant has not been reported in the literature in individuals affected with DMXL2-related conditions. The frequency data for this variant in the population databases is considered unreliable, as metrics indicate poor data quality at this position in the gnomAD database.